The following is an entry in ClinVar:

NM_004655.4(AXIN2):c.886A>G (p.Ser296Gly)

Gene: AXIN2 (axin 2; minus strand). Cytogenetic location: 17q24.1.
Variant type: single nucleotide variant.
Coding change: c.886A>G on transcript NM_004655.4 (MANE Select); coding-DNA position 886, A replaced by G.
Protein change: p.Ser296Gly; replaces serine 296 with glycine.
Molecular consequence: missense variant.
Genome position (GRCh38, 1-based): chr17:65,549,590, T>C on the plus strand (A>G on the coding strand, the complement: AXIN2 is on the minus strand). VCF-style: chr17-65549590-T-C. GRCh37 (hg19) VCF-style: chr17-63545708-T-C.
Other names: c.886A>G, p.Ser296Gly (NM_001363813.1); short protein forms S296G.
Identifiers: ClinVar variation 956788 (VCV000956788.9), dbSNP rs2044163621, ClinGen allele CA400679570.
Genomic context (GRCh38, chr17:65,549,590, plus strand): 5'-CCGTCATGGACATGGAATCATCCGTCAGCGCATCACTGGATATCTCACTGTCGTTGGCGC[T>C]GGTGGCTGGTGCAAAGACATAGCCAGAACCTATGTGATAAGGATTAACAGGATCGCTCCT-3'
Protein context (NP_004646.3, residues 286-306): GSGYVFAPAT[Ser296Gly]ANDSEISSDA

ClinVar aggregate classification (germline): Uncertain significance (1 of 4 stars; one submission).

Conditions:
Oligodontia-cancer predisposition syndrome. Also called: TOOTH AGENESIS-COLORECTAL CANCER SYNDROME. Identifiers: Orphanet 300576, MedGen C1837750, MONDO:0012075, OMIM 608615. Disease mechanism: loss of function.

Submission:

Labcorp Genetics (formerly Invitae), Labcorp
Classification: Uncertain significance for Oligodontia-cancer predisposition syndrome. Last evaluated: 2019-08-27. Review status: criteria provided, single submitter. Criteria: Invitae Variant Classification Sherloc (09022015). Collection method: clinical testing. Allele origin: germline.
Comment: This sequence change replaces serine with glycine at codon 296 of the AXIN2 protein (p.Ser296Gly). The serine residue is highly conserved and there is a small physicochemical difference between serine and glycine. In summary, the available evidence is currently insufficient to determine the role of this variant in disease. Therefore, it has been classified as a Variant of Uncertain Significance. Algorithms developed to predict the effect of missense changes on protein structure and function are either unavailable or do not agree on the potential impact of this missense change (SIFT: "Tolerated"; PolyPhen-2: "Probably Damaging"; Align-GVGD: "Class C0"). This variant has not been reported in the literature in individuals with AXIN2-related conditions. This variant is not present in population databases (ExAC no frequency).